The following is an entry in ClinVar:

ClinVar aggregate classification (germline): Likely benign. Review status: criteria provided, single submitter (1 of 4 stars). 2 submissions from 2 submitters: Likely benign (1). 1 of the submissions does not count toward it. Last evaluated 2023-03-30.

Conditions:
MTOR-related disorder. Also called: MTOR-related condition.

Submissions (2):

Labcorp Genetics (formerly Invitae), Labcorp
Classification: Likely benign. Last evaluated: 2023-03-30. Review status: criteria provided, single submitter. Criteria: Invitae Variant Classification Sherloc (09022015). Collection method: clinical testing. Allele origin: germline.

PreventionGenetics, part of Exact Sciences
Classification: Likely benign for MTOR-related condition. Last evaluated: 2019-09-20. Review status: no assertion criteria provided. Collection method: clinical testing. Allele origin: germline. Not counted in ClinVar's aggregate classification.
Comment: This variant is classified as likely benign based on ACMG/AMP sequence variant interpretation guidelines (Richards et al. 2015 PMID: 25741868, with internal and published modifications).

NM_004958.4(MTOR):c.1117-5C>T

Gene: MTOR (mechanistic target of rapamycin kinase; minus strand). Cytogenetic location: 1p36.22.
Variant type: single nucleotide variant.
Coding change: c.1117-5C>T on transcript NM_004958.4 (MANE Select); 5 bases into the intron before coding-DNA position 1117, C replaced by T.
Molecular consequence: intron variant.
Genome position (GRCh38, 1-based): chr1:11,247,738, G>A on the plus strand (C>T on the coding strand, the complement: MTOR is on the minus strand). VCF-style: chr1-11247738-G-A. GRCh37 (hg19) VCF-style: chr1-11307795-G-A.
Other names: c.-24+81C>T (NM_001386501.1); c.1117-5C>T (NM_001386500.1, NM_004958.3).
Identifiers: ClinVar variation 2996516 (VCV002996516.5), dbSNP rs2523386546, ClinGen allele CA2740090591.